The following is an entry in ClinVar:

NM_004444.5(EPHB4):c.2484+1G>A

Genes: EPHB4 (EPH receptor B4; minus strand), LOC126860124 (CDK7 strongly-dependent group 2 enhancer GRCh37_chr7:100403701-100404900; plus strand). Cytogenetic location: 7q22.1.
Variant type: single nucleotide variant.
Coding change: c.2484+1G>A on transcript NM_004444.5 (MANE Select); the canonical splice donor site of the intron after coding-DNA position 2484, G replaced by A.
Molecular consequence: splice donor variant.
Genome position (GRCh38, 1-based): chr7:100,806,419, C>T on the plus strand (G>A on the coding strand, the complement: EPHB4 is on the minus strand). VCF-style: chr7-100806419-C-T. GRCh37 (hg19) VCF-style: chr7-100404041-C-T.
Other names: IVS14DS, G-A, +1; c.2484+1G>A (NM_004444.4).
Identifiers: ClinVar variation 590874 (VCV000590874.19), dbSNP rs927772349, ClinGen allele CA163276049.

ClinVar aggregate classification (germline): Pathogenic/Likely pathogenic. Review status: criteria provided, multiple submitters, no conflicts (2 of 4 stars). 5 submissions from 5 submitters: Pathogenic (2); Likely pathogenic (2). 1 of the submissions does not count toward it. Last evaluated 2023-09-25.

Conditions:
Capillary malformation-arteriovenous malformation 2 (CMAVM2). Identifiers: Orphanet 693912, MedGen C4748670, MONDO:0020785, OMIM 618196.

Allele frequency attached by ClinVar (database versions not stated): TOPMed below 0.00001; gnomAD exomes below 0.00001.
gnomAD v4.1: 2 of 1,612,768 alleles (0.00012%); highest among the groups gnomAD compares: Non-Finnish European, 0.00017%; no homozygotes.

Submissions (5):

Labcorp Genetics (formerly Invitae), Labcorp
Classification: Likely pathogenic. Last evaluated: 2023-09-25. Review status: criteria provided, single submitter. Criteria: Invitae Variant Classification Sherloc (09022015). Collection method: clinical testing. Allele origin: germline.
Comment: In summary, the currently available evidence indicates that the variant is pathogenic, but additional data are needed to prove that conclusively. Therefore, this variant has been classified as Likely Pathogenic. Algorithms developed to predict the effect of sequence changes on RNA splicing suggest that this variant may disrupt the consensus splice site. ClinVar contains an entry for this variant (Variation ID: 590874). Disruption of this splice site has been observed in individual(s) with clinical features of capillary malformation-arteriovenous malformation (PMID: 28687708, 29444212, 30760892). This variant is present in population databases (no rsID available, gnomAD 0.0009%). This sequence change affects a donor splice site in intron 14 of the EPHB4 gene. It is expected to disrupt RNA splicing. Variants that disrupt the donor or acceptor splice site typically lead to a loss of protein function (PMID: 16199547), and loss-of-function variants in EPHB4 are known to be pathogenic (PMID: 28687708).

ARUP Laboratories, Molecular Genetics and Genomics, ARUP Laboratories
Classification: Pathogenic. Last evaluated: 2023-03-21. Review status: criteria provided, single submitter. Criteria: ARUP Molecular Germline Variant Investigation Process 2024. Collection method: clinical testing. Allele origin: germline.
Comment: The EPHB4 c.2484+1G>A variant (rs927772349), is reported in the literature in at least one individual affected with capillary malformation-arteriovenous malformation (Amyere 2017). This variant is reported in ClinVar (Variation ID: 590874). It is only observed on one allele in the Genome Aggregation Database, indicating it is not a common polymorphism. This variant disrupts the canonical splice donor site of intron 14, which is likely to disrupt gene function. Based on available information, the c.2484+1G>A variant is considered to be pathogenic. References: Amyere M et al. Germline Loss-of-Function Mutations in EPHB4 Cause a Second Form of Capillary Malformation-Arteriovenous Malformation (CM-AVM2) Deregulating RAS-MAPK Signaling. Circulation. 2017 Sep 12;136(11):1037-1048. PMID: 28687708.

Victorian Clinical Genetics Services, Murdoch Childrens Research Institute
Classification: Pathogenic for Capillary malformation-arteriovenous malformation 2. Last evaluated: 2022-02-02. Review status: criteria provided, single submitter. Criteria: ACMG Guidelines, 2015. Collection method: clinical testing. Allele origin: germline. Inheritance: Autosomal dominant inheritance.
Comment: Based on the classification scheme VCGS_Germline_v1.3.4, this variant is classified as Pathogenic. Following criteria are met: 0102 - Loss of function is a known mechanism of disease in this gene and is associated with capillary malformation-arteriovenous malformation 2 (MIM#618196). (I) 0107 - This gene is associated with autosomal dominant disease. (I) 0115 - Variants in this gene are known to have variable expressivity (PMIDs: 29905864, 27400125, 30578106). (I) 0211 - Canonical splice site variant without proven consequence on splicing (no functional evidence available). (SP) 0251 - This variant is heterozygous. (I) 0302 - Variant is present in gnomAD (v2) <0.001 for a dominant condition (1 heterozygote, 0 homozygotes). (SP) 0505 - Abnormal splicing is predicted by in silico tools and affected nucleotide is highly conserved. (SP) 0703 - Other splice variants comparable to the one identified in this case have moderate previous evidence for pathogenicity. RT-PCR studies showed this variant results in an in-frame deletion p.(Met814_Val829del) (PMID: 29444212). In addition, the c.2484+2insT duplication that would impact the +3 nucleotide, has been identified in an individual with vein of Galen aneurysm malformation; it was determined to be paternally inherited, but the father was not available for a clinical evaluation (PMID: 29444212). (SP) 0803 - This variant has limited previous evidence of pathogenicity in unrelated individuals. It has been classified as pathogenic in ClinVar and detected in two individuals with capillary malformation-arteriovenous malformation 2 (PMID: 28687708, 30760892). (SP) 0905 - No published segregation evidence has been identified for this variant. (I) 1007 - No published functional evidence has been identified for this variant. (I) Legend: (SP) - Supporting pathogenic, (I) - Information, (SB) - Supporting benign

Molecular Genetics, Royal Melbourne Hospital
Classification: Likely pathogenic for Capillary malformation-arteriovenous malformation 2. Last evaluated: 2020-06-26. Review status: criteria provided, single submitter. Criteria: ACMG Guidelines, 2015. Collection method: clinical testing. Allele origin: germline. Affected: yes.
Comment: This sequence change affects the canonical donor splice site in intron 14 of EPHB4. It is expected to disrupt RNA splicing, but has not been confirmed with patient RNA studies. However, based on the assessment of another substitution at this position the variant likely results in the activation of an upstream cryptic donor site in exon 14 leading to an in-frame 16 amino acid deletion (p.Gly779_Asp828del; PMID: 29444212). The expected in-frame splicing aberration removes part of the tyrosine kinase domain, however it is unknown if this region is essential to function (PVS1_Moderate). The variant is present in a single individual in a large population cohort (PM2; rs927772349, 1/249,748 alleles in gnomAD v2.1). At least two individuals with capillary malformation-arteriovenous malformation (CV-AVM) have been identified with this variant (PS4_Supporting; PMID: 28687708, Royal Melbourne Hospital), and the phenotype was highly specific for EPHB4-related CV-AVM (PMID: 21348050), including the presence of Bier spots, telangiectasia, and epistaxis (PP4; Royal Melbourne Hospital). Based on the classification scheme RMH ACMG Guidelines v1.2.1, this variant is classified as LIKELY PATHOGENIC. Following criteria are met: PVS1_Moderate, PM2, PS4_Supporting, PP4.

OMIM
Classification: Pathogenic for CAPILLARY MALFORMATION-ARTERIOVENOUS MALFORMATION 2. Last evaluated: 2018-11-21. Review status: no assertion criteria provided. Collection method: literature only. Allele origin: germline. Not counted in ClinVar's aggregate classification.

Literature cited by the submitters: PubMed 28687708 (cited by 4 submitters); PubMed 29444212 (cited by 3 submitters); PubMed 30760892 (cited by Labcorp Genetics (formerly Invitae), Labcorp and Victorian Clinical Genetics Services, Murdoch Childrens Research Institute); PubMed 16199547 (cited by Labcorp Genetics (formerly Invitae), Labcorp); PubMed 27400125 (cited by Victorian Clinical Genetics Services, Murdoch Childrens Research Institute); PubMed 29905864 (cited by Victorian Clinical Genetics Services, Murdoch Childrens Research Institute); PubMed 30578106 (cited by Victorian Clinical Genetics Services, Murdoch Childrens Research Institute); PubMed 21348050 (cited by Molecular Genetics, Royal Melbourne Hospital).